The following is an entry in ClinVar:

ClinVar aggregate classification (germline): Uncertain significance (1 of 4 stars; one submission).

Conditions:
Holoprosencephaly 9 (HPE9). Also called: HOLOPROSENCEPHALY WITH MICROPHTHALMIA AND FIRST BRANCHIAL ARCH ANOMALIES; PITUITARY ANOMALIES WITH HOLOPROSENCEPHALY-LIKE FEATURES. Identifiers: Orphanet 2162, MedGen C1835819, MONDO:0012563, OMIM 610829.
Postaxial polydactyly-anterior pituitary anomalies-facial dysmorphism syndrome. Also called: Culler-Jones syndrome. Identifiers: Orphanet 420584, MedGen C4014479, MONDO:0014369, OMIM 615849.

Allele frequency attached by ClinVar (database versions not stated): gnomAD exomes below 0.00001.

Submission:

Labcorp Genetics (formerly Invitae), Labcorp
Classification: Uncertain significance for Postaxial polydactyly-anterior pituitary anomalies-facial dysmorphism syndrome; Holoprosencephaly 9. Last evaluated: 2022-10-03. Review status: criteria provided, single submitter. Criteria: Invitae Variant Classification Sherloc (09022015). Collection method: clinical testing. Allele origin: germline.
Comment: The frequency data for this variant in the population databases is considered unreliable, as metrics indicate poor data quality at this position in the gnomAD database. In summary, the available evidence is currently insufficient to determine the role of this variant in disease. Therefore, it has been classified as a Variant of Uncertain Significance. Algorithms developed to predict the effect of missense changes on protein structure and function are either unavailable or do not agree on the potential impact of this missense change (SIFT: "Deleterious"; PolyPhen-2: "Probably Damaging"; Align-GVGD: "Class C0"). ClinVar contains an entry for this variant (Variation ID: 1506266). This variant has not been reported in the literature in individuals affected with GLI2-related conditions. This sequence change replaces leucine, which is neutral and non-polar, with proline, which is neutral and non-polar, at codon 653 of the GLI2 protein (p.Leu653Pro).

NM_001374353.1(GLI2):c.1907T>C (p.Leu636Pro)

Gene: GLI2 (GLI family zinc finger 2; plus strand). Cytogenetic location: 2q14.2.
Variant type: single nucleotide variant.
Coding change: c.1907T>C on transcript NM_001374353.1 (MANE Select); coding-DNA position 1907, T replaced by C.
Protein change: p.Leu636Pro; replaces leucine 636 with proline.
Molecular consequence: missense variant.
Genome position (GRCh38, 1-based): chr2:120,986,279, T>C. VCF-style: chr2-120986279-T-C. GRCh37 (hg19) VCF-style: chr2-121743855-T-C.
Other names: c.1958T>C, p.Leu653Pro (NM_001371271.1, NM_005270.5); c.1532T>C, p.Leu511Pro (NM_001374354.1); short protein forms L636P, L653P, L511P.
Identifiers: ClinVar variation 1506266 (VCV001506266.6), dbSNP rs1373160690, ClinGen allele CA348163733.
Genomic context (GRCh38, chr2:120,986,279, plus strand): 5'-AGGACCAGGTGGAATCTGATACCCTCTGAGTCTGAGCCTTCTTGCCTCGTCCCCTGCAGC[T>C]GTGTCAGTCCAGCCCCGGGGCCCAGTCGTCCTGCAGCAGCGAGCCCTCTCCTCTGGGCAG-3'
Protein context (NP_001361282.1, residues 626-646): VRAIKTESSG[Leu636Pro]CQSSPGAQSS